The following is an entry in ClinVar:

NM_000179.3(MSH6):c.2227T>G (p.Leu743Val)

Gene: MSH6 (mutS homolog 6; plus strand). Cytogenetic location: 2p16.3.
Variant type: single nucleotide variant.
Coding change: c.2227T>G on transcript NM_000179.3 (MANE Select); coding-DNA position 2227, T replaced by G.
Protein change: p.Leu743Val; replaces leucine 743 with valine.
Molecular consequence: missense variant.
Genome position (GRCh38, 1-based): chr2:47,800,210, T>G. VCF-style: chr2-47800210-T-G. GRCh37 (hg19) VCF-style: chr2-48027349-T-G.
Other names: c.1837T>G, p.Leu613Val (NM_001281492.2); c.1321T>G, p.Leu441Val (NM_001281493.2, NM_001281494.2, NM_001406811.1 and 6 more transcripts); c.2323T>G, p.Leu775Val (NM_001406795.1, NM_001406802.1); c.2227T>G, p.Leu743Val (NM_001406796.1, NM_001406798.1, NM_001406800.1 and 3 more transcripts); c.1930T>G, p.Leu644Val (NM_001406797.1, NM_001406801.1, NM_001406805.1 and 10 more transcripts); c.1702T>G, p.Leu568Val (NM_001406799.1, NM_001406806.1, NM_001406807.1); c.2149T>G, p.Leu717Val (NM_001406804.1); c.2233T>G, p.Leu745Val (NM_001406813.1); and 1 more; short protein forms L687V, L441V, L613V, L745V, L568V, L743V, L644V, L717V.
Identifiers: ClinVar variation 1788017 (VCV001788017.2), dbSNP rs749308906, ClinGen allele CA346752478.
Genomic context (GRCh38, chr2:47,800,210, plus strand): 5'-GGTGCTATCTTCACCAAAGCCTATCAACGAATGGTGCTAGATGCAGTGACATTAAACAAC[T>G]TGGAGATTTTTCTGAATGGAACAAATGGTTCTACTGAAGGAACCCTACTAGAGAGGGTTG-3'
Protein context (NP_000170.1, residues 733-753): MVLDAVTLNN[Leu743Val]EIFLNGTNGS

ClinVar aggregate classification (germline): Uncertain significance (1 of 4 stars; one submission).

Conditions:
Hereditary cancer-predisposing syndrome. Also called: Neoplastic Syndromes, Hereditary; Tumor predisposition; Hereditary Cancer Syndrome; Hereditary neoplastic syndrome. Identifiers: Orphanet 140162, MedGen C0027672, MeSH D009386, MONDO:0015356.

Submission:

Ambry Genetics
Classification: Uncertain significance for Hereditary cancer-predisposing syndrome. Last evaluated: 2021-05-07. Review status: criteria provided, single submitter. Criteria: Ambry Variant Classification Scheme 2023. Collection method: clinical testing. Allele origin: germline.
Comment: The p.L743V variant (also known as c.2227T>G), located in coding exon 4 of the MSH6 gene, results from a T to G substitution at nucleotide position 2227. The leucine at codon 743 is replaced by valine, an amino acid with highly similar properties. This amino acid position is highly conserved in available vertebrate species. In addition, this alteration is predicted to be deleterious by in silico analysis. Since supporting evidence is limited at this time, the clinical significance of this alteration remains unclear.